The following is an entry in ClinVar:

NM_023110.3(FGFR1):c.1243C>T (p.His415Tyr)

Gene: FGFR1 (fibroblast growth factor receptor 1; minus strand). Cytogenetic location: 8p11.23.
Variant type: single nucleotide variant.
Coding change: c.1243C>T on transcript NM_023110.3 (MANE Select); coding-DNA position 1243, C replaced by T.
Protein change: p.His415Tyr; replaces histidine 415 with tyrosine.
Molecular consequence: missense variant.
Genome position (GRCh38, 1-based): chr8:38,419,574, G>A on the plus strand (C>T on the coding strand, the complement: FGFR1 is on the minus strand). VCF-style: chr8-38419574-G-A. GRCh37 (hg19) VCF-style: chr8-38277092-G-A.
Other names: c.1243C>T, p.His415Tyr (NM_001174063.2); c.1219C>T, p.His407Tyr (NM_001174064.2); c.1237C>T, p.His413Tyr (NM_001174065.2, NM_001354367.2, NM_001354369.2 and 2 more transcripts); c.976C>T, p.His326Tyr (NM_001174066.2, NM_023105.3); c.1336C>T, p.His446Tyr (NM_001174067.2); c.970C>T, p.His324Tyr (NM_001354368.2, NM_001354370.2, NM_023106.3); short protein forms H413Y, H446Y, H324Y, H326Y, H407Y, H415Y.
Identifiers: ClinVar variation 4789776 (VCV004789776.1).

ClinVar aggregate classification (germline): Uncertain significance (1 of 4 stars; one submission).

Conditions:
Hypogonadotropic hypogonadism 2 with or without anosmia (HH2). Also called: HYPOGONADOTROPIC HYPOGONADISM 2 WITHOUT ANOSMIA; FGFR1-Related GnRH Deficiency (Kallmann Syndrome 2); HYPOGONADOTROPIC HYPOGONADISM 2 WITH OR WITHOUT ANOSMIA, SUSCEPTIBILITY TO; HYPOGONADOTROPIC HYPOGONADISM 2 WITHOUT ANOSMIA, SUSCEPTIBILITY TO. Identifiers: Orphanet 478, MedGen C1563720, MONDO:0007844, OMIM 147950. Disease mechanism: loss of function.
Pfeiffer syndrome (ACS5). Also called: ACS V. Identifiers: Orphanet 710, MedGen C0220658, MONDO:0007043, OMIM 101600.

Submission:

Labcorp Genetics (formerly Invitae), Labcorp
Classification: Uncertain significance for Pfeiffer syndrome; Hypogonadotropic hypogonadism 2 with or without anosmia. Last evaluated: 2025-12-15. Review status: criteria provided, single submitter. Criteria: Invitae Variant Classification Sherloc (09022015). Collection method: clinical testing. Allele origin: germline.
Comment: This sequence change replaces histidine, which is basic and polar, with tyrosine, which is neutral and polar, at codon 415 of the FGFR1 protein (p.His415Tyr). This variant is not present in population databases (gnomAD no frequency). This variant has not been reported in the literature in individuals affected with FGFR1-related conditions. Invitae Evidence Modeling of protein sequence and biophysical properties (such as structural, functional, and spatial information, amino acid conservation, physicochemical variation, residue mobility, and thermodynamic stability) indicates that this missense variant is not expected to disrupt FGFR1 protein function with a negative predictive value of 80%. In summary, the available evidence is currently insufficient to determine the role of this variant in disease. Therefore, it has been classified as a Variant of Uncertain Significance.